The following is an entry in ClinVar:

NM_005263.5(GFI1):c.134G>A (p.Gly45Asp)

Gene: GFI1 (growth factor independent 1 transcriptional repressor; minus strand). Cytogenetic location: 1p22.1.
Variant type: single nucleotide variant.
Coding change: c.134G>A on transcript NM_005263.5 (MANE Select); coding-DNA position 134, G replaced by A.
Protein change: p.Gly45Asp; replaces glycine 45 with aspartic acid.
Molecular consequence: missense variant.
Genome position (GRCh38, 1-based): chr1:92,483,028, C>T on the plus strand (G>A on the coding strand, the complement: GFI1 is on the minus strand). VCF-style: chr1-92483028-C-T. GRCh37 (hg19) VCF-style: chr1-92948585-C-T.
Other names: c.134G>A, p.Gly45Asp (NM_001127215.3, NM_001127216.3); short protein forms G45D.
Identifiers: ClinVar variation 3853650 (VCV003853650.1).

ClinVar aggregate classification (germline): Uncertain significance (1 of 4 stars; one submission).

Submission:

Ambry Genetics
Classification: Uncertain significance. Last evaluated: 2024-12-15. Review status: criteria provided, single submitter. Criteria: Ambry Variant Classification Scheme 2023. Collection method: clinical testing. Allele origin: germline.
Comment: The p.G45D variant (also known as c.134G>A), located in coding exon 2 of the GFI1 gene, results from a G to A substitution at nucleotide position 134. The glycine at codon 45 is replaced by aspartic acid, an amino acid with similar properties. This amino acid position is conserved. In addition, this alteration is predicted to be tolerated by in silico analysis. Based on the available evidence, the clinical significance of this variant remains unclear.